The following is an entry in ClinVar:

ClinVar aggregate classification (germline): Uncertain significance (1 of 4 stars; one submission).

Conditions:
Inborn genetic diseases. Identifiers: MedGen C0950123, MeSH D030342.

Submission:

Ambry Genetics
Classification: Uncertain significance for Inborn genetic diseases. Last evaluated: 2021-08-03. Review status: criteria provided, single submitter. Criteria: Ambry Variant Classification Scheme 2023. Collection method: clinical testing. Allele origin: germline.
Comment: The p.A169T variant (also known as c.505G>A), located in coding exon 7 of the NDRG1 gene, results from a G to A substitution at nucleotide position 505. The alanine at codon 169 is replaced by threonine, an amino acid with similar properties. This amino acid position is conserved. In addition, the in silico prediction for this alteration is inconclusive. Since supporting evidence is limited at this time, the clinical significance of this alteration remains unclear.

NM_006096.4(NDRG1):c.505G>A (p.Ala169Thr)

Gene: NDRG1 (N-myc downstream regulated 1; minus strand). Cytogenetic location: 8q24.22.
Variant type: single nucleotide variant.
Coding change: c.505G>A on transcript NM_006096.4 (MANE Select); coding-DNA position 505, G replaced by A.
Protein change: p.Ala169Thr; replaces alanine 169 with threonine.
Molecular consequence: missense variant.
Genome position (GRCh38, 1-based): chr8:133,256,809, C>T on the plus strand (G>A on the coding strand, the complement: NDRG1 is on the minus strand). VCF-style: chr8-133256809-C-T. GRCh37 (hg19) VCF-style: chr8-134269052-C-T.
Other names: c.505G>A, p.Ala169Thr (NM_001135242.2, NM_001374844.1, NM_001374845.1 and 1 more transcripts); c.307G>A, p.Ala103Thr (NM_001258432.2, NM_001374847.1); c.262G>A, p.Ala88Thr (NM_001258433.2); short protein forms A88T, A103T, A169T.
Identifiers: ClinVar variation 1745097 (VCV001745097.2), dbSNP rs2538050273, ClinGen allele CA372255723.